The following is an entry in ClinVar:

NM_001001433.3(STX16):c.260A>G (p.Tyr87Cys)

Genes: STX16 (syntaxin 16; plus strand), STX16-NPEPL1 (STX16-NPEPL1 readthrough (NMD candidate); plus strand). Cytogenetic location: 20q13.32.
Variant type: single nucleotide variant.
Coding change: c.260A>G on transcript NM_001001433.3 (MANE Select); coding-DNA position 260, A replaced by G.
Protein change: p.Tyr87Cys; replaces tyrosine 87 with cysteine.
Molecular consequence: missense variant. On other transcripts: non-coding transcript variant (4).
Genome position (GRCh38, 1-based): chr20:58,667,994, A>G. VCF-style: chr20-58667994-A-G. GRCh37 (hg19) VCF-style: chr20-57243050-A-G.
Other names: c.248A>G, p.Tyr83Cys (NM_001134772.3); c.209A>G, p.Tyr70Cys (NM_001134773.3); c.101A>G, p.Tyr34Cys (NM_001204868.2); c.197A>G, p.Tyr66Cys (NM_003763.6); short protein forms Y66C, Y70C, Y34C, Y83C, Y87C.
Identifiers: ClinVar variation 2713733 (VCV002713733.4), dbSNP rs921011114, ClinGen allele CA316306269.

ClinVar aggregate classification (germline): Uncertain significance. Review status: criteria provided, multiple submitters, no conflicts (2 of 4 stars). 2 submissions from 2 submitters: Uncertain significance (2). Last evaluated 2025-02-17.

Conditions:
Pseudohypoparathyroidism type 1B (PHP1B). Also called: Pseudohypoparathyroidism Ib (PHP-Ib); PHP IB; Pseudohypoparathyroidism Type IB. Identifiers: Orphanet 94089, MedGen C1864100, MONDO:0011301, OMIM 603233.

Allele frequency attached by ClinVar (database versions not stated): gnomAD exomes below 0.00001; TOPMed 0.00003.
gnomAD v4.1: 13 of 1,614,258 alleles (0.00081%); highest among the groups gnomAD compares: East Asian, 0.0067%; no homozygotes.

Submissions (2):

Labcorp Genetics (formerly Invitae), Labcorp
Classification: Uncertain significance. Last evaluated: 2025-02-17. Review status: criteria provided, single submitter. Criteria: Invitae Variant Classification Sherloc (09022015). Collection method: clinical testing. Allele origin: germline.
Comment: This sequence change replaces tyrosine, which is neutral and polar, with cysteine, which is neutral and slightly polar, at codon 87 of the STX16 protein (p.Tyr87Cys). This variant is present in population databases (no rsID available, gnomAD no frequency). This variant has not been reported in the literature in individuals affected with STX16-related conditions. ClinVar contains an entry for this variant (Variation ID: 2713733). Invitae Evidence Modeling of protein sequence and biophysical properties (such as structural, functional, and spatial information, amino acid conservation, physicochemical variation, residue mobility, and thermodynamic stability) indicates that this missense variant is not expected to disrupt STX16 protein function with a negative predictive value of 80%. In summary, the available evidence is currently insufficient to determine the role of this variant in disease. Therefore, it has been classified as a Variant of Uncertain Significance.

Fulgent Genetics
Classification: Uncertain significance for Pseudohypoparathyroidism type 1B. Last evaluated: 2024-01-24. Review status: criteria provided, single submitter. Criteria: ACMG Guidelines, 2015. Collection method: clinical testing. Allele origin: germline.